The following is an entry in ClinVar:

ClinVar aggregate classification (germline): Uncertain significance. Review status: criteria provided, multiple submitters, no conflicts (2 of 4 stars). 3 submissions from 3 submitters: Uncertain significance (2). 1 of the submissions does not count toward it. Last evaluated 2024-03-28.

Conditions:
Ceroid lipofuscinosis, neuronal, 6A. Also called: Neuronal ceroid lipofuscinosis, Gypsy/Indian early juvenile variant; Neuronal ceroid lipofuscinosis 6; CLN6-Related Neuronal Ceroid-Lipofuscinosis; Neuronal ceroid lipofuscinosis, late infantile, variant. Identifiers: Orphanet 168491, Orphanet 228363, MedGen C5551375, MONDO:0011144, OMIM 601780.
Neuronal ceroid lipofuscinosis. Also called: Neuronal Ceroid Lipofuscinoses. Identifiers: Orphanet 216, Orphanet 79263, MedGen C0027877, MONDO:0016295. Disease mechanism: loss of function.

Allele frequency attached by ClinVar (database versions not stated): gnomAD exomes below 0.00001 and 0.00001; ExAC 0.00001.
gnomAD v4.1: 2 of 1,613,918 alleles (0.00012%); highest among the groups gnomAD compares: African/African-American, 0.0013%; no homozygotes.

Submissions (3):

Women's Health and Genetics/Laboratory Corporation of America, LabCorp
Classification: Uncertain significance. Last evaluated: 2024-03-28. Review status: criteria provided, single submitter. Criteria: LabCorp Variant Classification Summary - May 2015. Collection method: clinical testing. Allele origin: germline.
Comment: Variant summary: CLN6 c.509A>G (p.Tyr170Cys) results in a non-conservative amino acid change in the encoded protein sequence. Five of five in-silico tools predict a damaging effect of the variant on protein function. The variant allele was found at a frequency of 8e-06 in 250926 control chromosomes. c.509A>G has been reported in the literature in individuals affected with Neuronal Ceroid-Lipofuscinosis (Muona_2015) and observed to segregate with disease. However, additional data is needed to allow unequivocal conclusions about variant significance . To our knowledge, no experimental evidence demonstrating an impact on protein function has been reported. The following publication have been ascertained in the context of this evaluation (PMID: 25401298). ClinVar contains an entry for this variant (Variation ID: 555652). Based on the evidence outlined above, the variant was classified as VUS-possibly pathogenic.

Labcorp Genetics (formerly Invitae), Labcorp
Classification: Uncertain significance for Neuronal ceroid lipofuscinosis. Last evaluated: 2023-12-18. Review status: criteria provided, single submitter. Criteria: Invitae Variant Classification Sherloc (09022015). Collection method: clinical testing. Allele origin: germline.
Comment: This sequence change replaces tyrosine, which is neutral and polar, with cysteine, which is neutral and slightly polar, at codon 170 of the CLN6 protein (p.Tyr170Cys). This variant is present in population databases (rs750081097, gnomAD 0.007%). This missense change has been observed in individual(s) with neuronal ceroid lipofuscinosis (PMID: 25401298). It has also been observed to segregate with disease in related individuals. ClinVar contains an entry for this variant (Variation ID: 555652). Advanced modeling of protein sequence and biophysical properties (such as structural, functional, and spatial information, amino acid conservation, physicochemical variation, residue mobility, and thermodynamic stability) performed at Invitae indicates that this missense variant is not expected to disrupt CLN6 protein function with a negative predictive value of 80%. In summary, the available evidence is currently insufficient to determine the role of this variant in disease. Therefore, it has been classified as a Variant of Uncertain Significance.

Counsyl
Classification: Uncertain significance for Ceroid lipofuscinosis, neuronal, 6A. Last evaluated: 2017-12-27. Review status: no assertion criteria provided. Collection method: clinical testing. Allele origin: unknown. Not counted in ClinVar's aggregate classification.

Literature cited by the submitters: PubMed 25401298 (cited by Women's Health and Genetics/Laboratory Corporation of America, LabCorp and Labcorp Genetics (formerly Invitae), Labcorp); PubMed 28587997 (cited by Counsyl).

NM_017882.3(CLN6):c.509A>G (p.Tyr170Cys)

Gene: CLN6 (CLN6 transmembrane ER protein; minus strand). Cytogenetic location: 15q23.
Variant type: single nucleotide variant.
Coding change: c.509A>G on transcript NM_017882.3 (MANE Select); coding-DNA position 509, A replaced by G.
Protein change: p.Tyr170Cys; replaces tyrosine 170 with cysteine.
Molecular consequence: missense variant.
Genome position (GRCh38, 1-based): chr15:68,211,296, T>C on the plus strand (A>G on the coding strand, the complement: CLN6 is on the minus strand). VCF-style: chr15-68211296-T-C. GRCh37 (hg19) VCF-style: chr15-68503634-T-C.
Other names: short protein forms Y170C.
Identifiers: ClinVar variation 555652 (VCV000555652.13), dbSNP rs750081097, ClinGen allele CA7630564.